The following is an entry in ClinVar:

ClinVar aggregate classification (germline): Conflicting classifications of pathogenicity. Review status: criteria provided, conflicting classifications (1 of 4 stars). 4 submissions from 4 submitters: Uncertain significance (3); Likely benign (1). Last evaluated 2025-09-10.

Conditions:
Hereditary cancer-predisposing syndrome. Also called: Tumor predisposition; Hereditary Cancer Syndrome; Hereditary neoplastic syndrome; Neoplastic Syndromes, Hereditary. Identifiers: Orphanet 140162, MedGen C0027672, MeSH D009386, MONDO:0015356.
Familial adenomatous polyposis 2. Also called: COLORECTAL ADENOMATOUS POLYPOSIS, AUTOSOMAL RECESSIVE; MUTYH Polyposis; MUTYH-associated polyposis; MUTYH-related attenuated familial adenomatous polyposis; Adenomas, multiple colorectal; ADENOMAS, MULTIPLE COLORECTAL, AUTOSOMAL RECESSIVE. Identifiers: Orphanet 220460, Orphanet 247798, MedGen C3272841, MONDO:0012041, OMIM 608456.

Allele frequency attached by ClinVar (database versions not stated): gnomAD 0.00001; gnomAD exomes 0.00001.

Submissions (4):

Ambry Genetics
Classification: Likely benign for Hereditary cancer-predisposing syndrome. Last evaluated: 2025-09-10. Review status: criteria provided, single submitter. Criteria: Ambry Variant Classification Scheme 2023. Collection method: clinical testing. Allele origin: germline.

Color Diagnostics, LLC DBA Color Health
Classification: Uncertain significance for Hereditary cancer-predisposing syndrome. Last evaluated: 2024-03-06. Review status: criteria provided, single submitter. Criteria: ACMG Guidelines, 2015. Collection method: clinical testing. Allele origin: germline.
Comment: This missense variant replaces methionine with isoleucine at codon 153 of the MUTYH protein. Computational prediction is inconclusive regarding the impact of this variant on protein structure and function (internally defined REVEL score threshold 0.5 < inconclusive < 0.7, PMID: 27666373). To our knowledge, functional studies have not been reported for this variant. This variant has not been reported in individuals affected with hereditary cancer in the literature. This variant has been identified in 2/251484 chromosomes in the general population by the Genome Aggregation Database (gnomAD). The available evidence is insufficient to determine the role of this variant in disease conclusively. Therefore, this variant is classified as a Variant of Uncertain Significance.

Labcorp Genetics (formerly Invitae), Labcorp
Classification: Uncertain significance for Familial adenomatous polyposis 2. Last evaluated: 2024-03-01. Review status: criteria provided, single submitter. Criteria: Invitae Variant Classification Sherloc (09022015). Collection method: clinical testing. Allele origin: germline.
Comment: This sequence change replaces methionine, which is neutral and non-polar, with isoleucine, which is neutral and non-polar, at codon 153 of the MUTYH protein (p.Met153Ile). This variant is present in population databases (no rsID available, gnomAD 0.006%). This variant has not been reported in the literature in individuals affected with MUTYH-related conditions. ClinVar contains an entry for this variant (Variation ID: 406834). An algorithm developed to predict the effect of missense changes on protein structure and function (PolyPhen-2) suggests that this variant is likely to be disruptive. In summary, the available evidence is currently insufficient to determine the role of this variant in disease. Therefore, it has been classified as a Variant of Uncertain Significance.

Baylor Genetics
Classification: Uncertain significance for Familial adenomatous polyposis 2. Last evaluated: 2023-10-21. Review status: criteria provided, single submitter. Criteria: ACMG Guidelines, 2015. Collection method: clinical testing. Allele origin: unknown.

NM_001048174.2(MUTYH):c.375G>T (p.Met125Ile)

Gene: MUTYH (mutY DNA glycosylase; minus strand). Cytogenetic location: 1p34.1.
Variant type: single nucleotide variant.
Coding change: c.375G>T on transcript NM_001048174.2 (MANE Select); coding-DNA position 375, G replaced by T.
Protein change: p.Met125Ile; replaces methionine 125 with isoleucine.
Molecular consequence: missense variant. On other transcripts: non-coding transcript variant (1), intron variant (2).
Genome position (GRCh38, 1-based): chr1:45,333,100, C>A on the plus strand (G>T on the coding strand, the complement: MUTYH is on the minus strand). VCF-style: chr1-45333100-C-A. GRCh37 (hg19) VCF-style: chr1-45798772-C-A.
Other names: c.375G>T, p.Met125Ile (NM_001048171.2, NM_001048173.2, NM_001293195.2); c.378G>T, p.Met126Ile (NM_001048172.2); c.459G>T, p.Met153Ile (NM_001128425.2); c.420G>T, p.Met140Ile (NM_001293190.2); c.408G>T, p.Met136Ile (NM_001293191.2); c.99G>T, p.Met33Ile (NM_001293192.2, NM_001293196.2); c.450G>T, p.Met150Ile (NM_012222.3); c.34-141G>T (NM_001350651.2, NM_001350650.2); short protein forms M153I, M126I, M150I, M33I, M125I, M136I, M140I.
Identifiers: ClinVar variation 406834 (VCV000406834.19), dbSNP rs1060501328, ClinGen allele CA16610128.